The following is an entry in ClinVar:

NM_015425.6(POLR1A):c.4480G>A (p.Gly1494Arg)

Gene: POLR1A (RNA polymerase I subunit A; minus strand). Cytogenetic location: 2p11.2.
Variant type: single nucleotide variant.
Coding change: c.4480G>A on transcript NM_015425.6 (MANE Select); coding-DNA position 4480, G replaced by A.
Protein change: p.Gly1494Arg; replaces glycine 1494 with arginine.
Molecular consequence: missense variant.
Genome position (GRCh38, 1-based): chr2:86,031,428, C>T on the plus strand (G>A on the coding strand, the complement: POLR1A is on the minus strand). VCF-style: chr2-86031428-C-T. GRCh37 (hg19) VCF-style: chr2-86258551-C-T.
Other names: short protein forms G1494R.
Identifiers: ClinVar variation 2037868 (VCV002037868.4), dbSNP rs746215682, ClinGen allele CA1745483.
Genomic context (GRCh38, chr2:86,031,428, plus strand): 5'-CATCTATGAACGGGTGGATCTCACGCACAGCCTGGACCCGGCGCTCCATGGCCTCGGGCC[C>T]CTGGGGCTCCTGGCTGTGGGTGGGTTTCCGGGGCTGCGTCAGGAGGGCGGGAAGGGACGG-3'
Protein context (NP_056240.2, residues 1484-1504): RKPTHSQEPQ[Gly1494Arg]PEAMERRVQA

ClinVar aggregate classification (germline): Uncertain significance (1 of 4 stars; one submission).

Allele frequency attached by ClinVar (database versions not stated): ExAC 0.00001; gnomAD exomes 0.00001.
gnomAD v4.1: 5 of 1,614,012 alleles (0.00031%); highest among the groups gnomAD compares: Non-Finnish European, 0.00034%; no homozygotes.

Submission:

Labcorp Genetics (formerly Invitae), Labcorp
Classification: Uncertain significance. Last evaluated: 2023-08-04. Review status: criteria provided, single submitter. Criteria: Invitae Variant Classification Sherloc (09022015). Collection method: clinical testing. Allele origin: germline.
Comment: In summary, the available evidence is currently insufficient to determine the role of this variant in disease. Therefore, it has been classified as a Variant of Uncertain Significance. Advanced modeling of protein sequence and biophysical properties (such as structural, functional, and spatial information, amino acid conservation, physicochemical variation, residue mobility, and thermodynamic stability) performed at Invitae indicates that this missense variant is not expected to disrupt POLR1A protein function. ClinVar contains an entry for this variant (Variation ID: 2037868). This variant has not been reported in the literature in individuals affected with POLR1A-related conditions. This variant is present in population databases (rs746215682, gnomAD 0.0009%). This sequence change replaces glycine, which is neutral and non-polar, with arginine, which is basic and polar, at codon 1494 of the POLR1A protein (p.Gly1494Arg).